The following is an entry in ClinVar:

ClinVar aggregate classification (germline): Pathogenic. Review status: reviewed by expert panel (3 of 4 stars). 4 submissions from 4 submitters: Pathogenic (1). 3 of the submissions do not count toward it. Last evaluated 2026-09-26.

Conditions:
RS1-related disorder. Also called: RS1-related condition.
Juvenile retinoschisis (RS1). Also called: X-linked retinoschisis; X-Linked Juvenile Retinoschisis. Identifiers: Orphanet 792, MedGen C3714753, MONDO:0010725, OMIM 312700.

Submissions (4):

ClinGen X-linked Inherited Retinal Disease Variant Curation Expert Panel, ClinGen
Classification: Pathogenic for Juvenile retinoschisis. Last evaluated: 2026-09-26. Review status: reviewed by expert panel. Criteria: ClinGen X LinkedIRD ACMG Specifications RS1 V1.0.0. Collection method: curation. Allele origin: germline. Inheritance: X-linked inheritance.
Comment: The NM_000330.4(RS1):c.52+1G>T variant is a canonical splice site variant in intron 1, located 1 nucleotide after exon 1. This variant occurs at a canonical splice site in intron 1 and is shown to disrupt splicing and induce skipping of exon 2, which is expected to introduce a premature stop codon in RS1 (PVS1). This variant is absent from hemizygous individuals in gnomAD v4.1.0 (PM2_Supporting). At least one proband harboring this variant exhibits the following phenotypes, including the appearance of schisis and reduced visual acuity before age 13 years, which together are specific for X-linked retinoschisis(PMID:32300273, PP4). This variant has been reported in at least 3 apparently unrelated probands meeting one of the PS4 requirements of a male diagnosed with XLRS (PMIDs: 9618178, 20238027, 34822951, 35456481, PS4_Moderate). In summary, this variant is classified as pathogenic for X-linked retinoschisis based on the ClinGen X-linked Inherited Retinal Disease Expert Panel Specifications to the ACMG/AMP Variant Interpretation Guidelines for RS1 Version 1.0.0: PVS1, PM2_Supporting, PP4, and PS4_Moderate.

Labcorp Genetics (formerly Invitae), Labcorp
Classification: Pathogenic. Last evaluated: 2024-04-20. Review status: criteria provided, single submitter. Criteria: Invitae Variant Classification Sherloc (09022015). Collection method: clinical testing. Allele origin: germline. Not counted in ClinVar's aggregate classification.
Comment: This sequence change affects a donor splice site in intron 1 of the RS1 gene. It is expected to disrupt RNA splicing. Variants that disrupt the donor or acceptor splice site typically lead to a loss of protein function (PMID: 16199547), and loss-of-function variants in RS1 are known to be pathogenic (PMID: 9618178, 17172462). This variant is not present in population databases (gnomAD no frequency). Disruption of this splice site has been observed in individual(s) with RS1-related conditions (PMID: 9618178, 20238027, 32300273). ClinVar contains an entry for this variant (Variation ID: 98975). For these reasons, this variant has been classified as Pathogenic.

Blueprint Genetics
Classification: Pathogenic for RS1-related disorders. Last evaluated: 2022-09-08. Review status: criteria provided, single submitter. Criteria: ACMG Guidelines, 2015. Collection method: clinical testing. Allele origin: germline. Affected: yes. Observed: 1 variant allele. Not counted in ClinVar's aggregate classification.

Retina International
No classification provided. Review status: no classification provided. Collection method: not provided. Allele origin: not provided. Not counted in ClinVar's aggregate classification.

Literature cited by the submitters: PubMed 16199547 (cited by Labcorp Genetics (formerly Invitae), Labcorp); PubMed 9618178 (cited by Labcorp Genetics (formerly Invitae), Labcorp); PubMed 17172462 (cited by Labcorp Genetics (formerly Invitae), Labcorp); PubMed 20238027 (cited by Labcorp Genetics (formerly Invitae), Labcorp); PubMed 32300273 (cited by Labcorp Genetics (formerly Invitae), Labcorp).

NM_000330.4(RS1):c.52+1G>T

Gene: RS1 (retinoschisin 1; minus strand). Cytogenetic location: Xp22.13.
Variant type: single nucleotide variant.
Coding change: c.52+1G>T on transcript NM_000330.4 (MANE Select); the canonical splice donor site of the intron after coding-DNA position 52, G replaced by T.
Molecular consequence: splice donor variant.
Genome position (GRCh38, 1-based): chrX:18,672,016, C>A on the plus strand (G>T on the coding strand, the complement: RS1 is on the minus strand). VCF-style: chrX-18672016-C-A. GRCh37 (hg19) VCF-style: chrX-18690136-C-A.
Identifiers: ClinVar variation 98975 (VCV000098975.8), dbSNP rs281865336, ClinGen allele CA226764.